The following is an entry in ClinVar:

ClinVar aggregate classification (germline): Uncertain significance (1 of 4 stars; one submission).

Conditions:
Hereditary nonpolyposis colorectal neoplasms. Identifiers: MedGen C0009405, MeSH D003123.

Submission:

Labcorp Genetics (formerly Invitae), Labcorp
Classification: Uncertain significance for Hereditary nonpolyposis colorectal neoplasms. Last evaluated: 2025-05-22. Review status: criteria provided, single submitter. Criteria: Invitae Variant Classification Sherloc (09022015). Collection method: clinical testing. Allele origin: germline.
Comment: This variant, c.1726_1734del, results in the deletion of 3 amino acid(s) of the MSH6 protein (p.Asp576_His578del), but otherwise preserves the integrity of the reading frame. This variant is not present in population databases (gnomAD no frequency). This variant has not been reported in the literature in individuals affected with MSH6-related conditions. ClinVar contains an entry for this variant (Variation ID: 2706251). Experimental studies and prediction algorithms are not available or were not evaluated, and the functional significance of this variant is currently unknown. In summary, the available evidence is currently insufficient to determine the role of this variant in disease. Therefore, it has been classified as a Variant of Uncertain Significance.

NM_000179.3(MSH6):c.1726_1734del (p.Asp576_His578del)

Gene: MSH6 (mutS homolog 6; plus strand). Cytogenetic location: 2p16.3.
Variant type: Deletion.
Coding change: c.1726_1734del on transcript NM_000179.3 (MANE Select); coding-DNA positions 1726 to 1734, 9 bases deleted (GATCGCCAT; older notation c.1726_1734delGATCGCCAT).
Protein change: p.Asp576_His578del.
Molecular consequence: inframe deletion. On other transcripts: non-coding transcript variant (4), intron variant (2).
Genome position (GRCh38, 1-based): chr2:47,799,709-47,799,717, GATCGCCAT deleted; deleting any 9 consecutive bases within chr2:47,799,707-47,799,717 gives the same sequence; the c. name uses the placement nearest the transcript's 3' end. VCF-style (leftmost placement, unchanged base first): chr2-47799706-GATGATCGCC-G. GRCh37 (hg19) VCF-style: chr2-48026845-GATGATCGCC-G.
Other names: c.1336_1344del, p.Asp446_His448del (NM_001281492.2); c.820_828del, p.Asp274_His276del (NM_001281493.2, NM_001281494.2, NM_001406811.1 and 6 more transcripts); c.1822_1830del, p.Asp608_His610del (NM_001406795.1, NM_001406802.1); c.1726_1734del, p.Asp576_His578del (NM_001406796.1, NM_001406798.1, NM_001406800.1 and 3 more transcripts); c.1429_1437del, p.Asp477_His479del (NM_001406797.1, NM_001406801.1, NM_001406805.1 and 10 more transcripts); c.1201_1209del, p.Asp401_His403del (NM_001406799.1, NM_001406806.1, NM_001406807.1); c.1648_1656del, p.Asp550_His552del (NM_001406804.1); c.1732_1740del, p.Asp578_His580del (NM_001406813.1); and 3 more.
Identifiers: ClinVar variation 2706251 (VCV002706251.3), dbSNP rs2530626616, ClinGen allele CA2697548149.